The following is an entry in ClinVar:

ClinVar aggregate classification (germline): Likely benign. Review status: criteria provided, single submitter (1 of 4 stars). 2 submissions from 2 submitters: Likely benign (1). 1 of the submissions does not count toward it. Last evaluated 2024-11-10.

Conditions:
Chédiak-Higashi syndrome (CHS). Also called: Chediak-Higashi Syndrome. Identifiers: Orphanet 167, MedGen C0007965, MONDO:0008963, OMIM 214500.
LYST-related disorder. Also called: LYST-related condition.

Allele frequency attached by ClinVar (database versions not stated): gnomAD exomes 0.00001; TOPMed 0.00001; ExAC 0.00003.
gnomAD v4.1: 7 of 1,613,846 alleles (0.00043%); highest among the groups gnomAD compares: Admixed American, 0.012%; no homozygotes.

Submissions (2):

Labcorp Genetics (formerly Invitae), Labcorp
Classification: Likely benign for Chédiak-Higashi syndrome. Last evaluated: 2024-11-10. Review status: criteria provided, single submitter. Criteria: Invitae Variant Classification Sherloc (09022015). Collection method: clinical testing. Allele origin: germline.

PreventionGenetics, part of Exact Sciences
Classification: Likely benign for LYST-related condition. Last evaluated: 2019-12-16. Review status: no assertion criteria provided. Collection method: clinical testing. Allele origin: germline. Not counted in ClinVar's aggregate classification.
Comment: This variant is classified as likely benign based on ACMG/AMP sequence variant interpretation guidelines (Richards et al. 2015 PMID: 25741868, with internal and published modifications).

NM_000081.4(LYST):c.2310T>C (p.Pro770=)

Gene: LYST (lysosomal trafficking regulator; minus strand). Cytogenetic location: 1q42.3.
Variant type: single nucleotide variant.
Coding change: c.2310T>C on transcript NM_000081.4 (MANE Select); coding-DNA position 2310, T replaced by C.
Protein change: p.Pro770=; no amino-acid change (proline 770 retained).
Molecular consequence: synonymous variant.
Genome position (GRCh38, 1-based): chr1:235,808,508, A>G on the plus strand (T>C on the coding strand, the complement: LYST is on the minus strand). VCF-style: chr1-235808508-A-G. GRCh37 (hg19) VCF-style: chr1-235971808-A-G.
Other names: c.2310T>C, p.Pro770= (NM_001301365.1).
Identifiers: ClinVar variation 525187 (VCV000525187.10), dbSNP rs763867804, ClinGen allele CA1467329.
Genomic context (GRCh38, chr1:235,808,508, plus strand): 5'-TACAAACCTGGATTTAAGCAGGATAGGCAGAGTTTTTACATAAATCTGAAGCACGTCCTG[A>G]GGCAAGCACTGGTTATGATGGCTACATACATGACTTTGAGCTGAAGTAACGCTTAGGTGT-3'
Protein context (NP_000072.2, residues 760-780): HVCSHHNQCL[Pro770=]QDVLQIYVKT